The following is an entry in ClinVar:

NM_000214.3(JAG1):c.830A>T (p.Asn277Ile)

Gene: JAG1 (jagged canonical Notch ligand 1; minus strand). Cytogenetic location: 20p12.2.
Variant type: single nucleotide variant.
Coding change: c.830A>T on transcript NM_000214.3 (MANE Select); coding-DNA position 830, A replaced by T.
Protein change: p.Asn277Ile; replaces asparagine 277 with isoleucine.
Molecular consequence: missense variant.
Genome position (GRCh38, 1-based): chr20:10,652,524, T>A on the plus strand (A>T on the coding strand, the complement: JAG1 is on the minus strand). VCF-style: chr20-10652524-T-A. GRCh37 (hg19) VCF-style: chr20-10633172-T-A.
Other names: short protein forms N277I.
Identifiers: ClinVar variation 3230631 (VCV003230631.4), dbSNP rs773901285, ClinGen allele CA408239322.

ClinVar aggregate classification (germline): Uncertain significance. Review status: criteria provided, multiple submitters, no conflicts (2 of 4 stars). 2 submissions from 2 submitters: Uncertain significance (2). Last evaluated 2025-04-04.

Conditions:
Cardiovascular phenotype. Identifiers: MedGen CN230736.
Alagille syndrome due to a JAG1 point mutation. Also called: Alagille Syndrome 1; HEPATIC DUCTULAR HYPOPLASIA, SYNDROMATIC; JAG1-Related Alagille Syndrome. Identifiers: Orphanet 261619, Orphanet 52, MedGen C1956125, MONDO:0016862, OMIM 118450.

gnomAD v4.1: 1 of 1,614,056 alleles (0.000062%); highest among the groups gnomAD compares: Non-Finnish European, 0.000085%; no homozygotes.

Submissions (3):

Labcorp Genetics (formerly Invitae), Labcorp
Classification: Uncertain significance for Alagille syndrome due to a JAG1 point mutation. Last evaluated: 2025-04-04. Review status: criteria provided, single submitter. Criteria: Invitae Variant Classification Sherloc (09022015). Collection method: clinical testing. Allele origin: germline.
Comment: This sequence change replaces asparagine, which is neutral and polar, with isoleucine, which is neutral and non-polar, at codon 277 of the JAG1 protein (p.Asn277Ile). This variant is not present in population databases (gnomAD no frequency). This variant has not been reported in the literature in individuals affected with JAG1-related conditions. ClinVar contains an entry for this variant (Variation ID: 3230631). Invitae Evidence Modeling of protein sequence and biophysical properties (such as structural, functional, and spatial information, amino acid conservation, physicochemical variation, residue mobility, and thermodynamic stability) indicates that this missense variant is not expected to disrupt JAG1 protein function with a negative predictive value of 95%. In summary, the available evidence is currently insufficient to determine the role of this variant in disease. Therefore, it has been classified as a Variant of Uncertain Significance.

Ambry Genetics
Classification: Uncertain significance for Cardiovascular phenotype. Last evaluated: 2024-02-12. Review status: criteria provided, single submitter. Criteria: Ambry Variant Classification Scheme 2023. Collection method: clinical testing. Allele origin: germline.
Comment: The p.N277I variant (also known as c.830A>T), located in coding exon 6 of the JAG1 gene, results from an A to T substitution at nucleotide position 830. The asparagine at codon 277 is replaced by isoleucine, an amino acid with dissimilar properties. This amino acid position is conserved. In addition, this alteration is predicted to be tolerated by in silico analysis. Based on the available evidence, the clinical significance of this alteration remains unclear.

Gilbert/Spinner Lab, Children's Hospital of Philadelphia
No classification provided (evidence only). Condition: Alagille syndrome. Review status: no classification provided. Collection method: research. Allele origin: not applicable. Functional consequence: functionally_abnormal. Not counted in ClinVar's aggregate classification.
ClinVar note: "not provided" was previously submitted as the classification for the variant. However, the classification appeared to be based only on an observation of functional data so it was converted to no classification on 2025-07-30.